The following is an entry in ClinVar:

NM_003737.4(DCHS1):c.4691C>G (p.Ala1564Gly)

Gene: DCHS1 (dachsous cadherin-related 1; minus strand). Cytogenetic location: 11p15.4.
Variant type: single nucleotide variant.
Coding change: c.4691C>G on transcript NM_003737.4 (MANE Select); coding-DNA position 4691, C replaced by G.
Protein change: p.Ala1564Gly; replaces alanine 1564 with glycine.
Molecular consequence: missense variant.
Genome position (GRCh38, 1-based): chr11:6,630,103, G>C on the plus strand (C>G on the coding strand, the complement: DCHS1 is on the minus strand). VCF-style: chr11-6630103-G-C. GRCh37 (hg19) VCF-style: chr11-6651334-G-C.
Other names: c.4691C>G (NM_003737.2); short protein forms A1564G.
Identifiers: ClinVar variation 2166421 (VCV002166421.5), dbSNP rs200599220, ClinGen allele CA5860305.

ClinVar aggregate classification (germline): Uncertain significance. Review status: criteria provided, multiple submitters, no conflicts (2 of 4 stars). 2 submissions from 2 submitters: Uncertain significance (2). Last evaluated 2025-08-27.

Conditions:
Inborn genetic diseases. Identifiers: MedGen C0950123, MeSH D030342.

Allele frequency attached by ClinVar (database versions not stated): gnomAD exomes 0.00001; ExAC 0.00002; gnomAD 0.00009; 1000 Genomes Project 0.00040; 1000 Genomes Project 30x 0.00062.
gnomAD v4.1: 31 of 1,603,364 alleles (0.0019%); highest among the groups gnomAD compares: Admixed American, 0.029%; no homozygotes.

Submissions (2):

Ambry Genetics
Classification: Uncertain significance for Inborn genetic diseases. Last evaluated: 2025-08-27. Review status: criteria provided, single submitter. Criteria: Ambry Variant Classification Scheme 2023. Collection method: clinical testing. Allele origin: germline.

Labcorp Genetics (formerly Invitae), Labcorp
Classification: Uncertain significance. Last evaluated: 2025-05-13. Review status: criteria provided, single submitter. Criteria: Invitae Variant Classification Sherloc (09022015). Collection method: clinical testing. Allele origin: germline.
Comment: This sequence change replaces alanine, which is neutral and non-polar, with glycine, which is neutral and non-polar, at codon 1564 of the DCHS1 protein (p.Ala1564Gly). This variant is present in population databases (rs200599220, gnomAD 0.009%). This variant has not been reported in the literature in individuals affected with DCHS1-related conditions. ClinVar contains an entry for this variant (Variation ID: 2166421). Invitae Evidence Modeling of protein sequence and biophysical properties (such as structural, functional, and spatial information, amino acid conservation, physicochemical variation, residue mobility, and thermodynamic stability) indicates that this missense variant is not expected to disrupt DCHS1 protein function with a negative predictive value of 80%. In summary, the available evidence is currently insufficient to determine the role of this variant in disease. Therefore, it has been classified as a Variant of Uncertain Significance.